The following is an entry in ClinVar:

ClinVar aggregate classification (germline): Uncertain significance. Review status: criteria provided, multiple submitters, no conflicts (2 of 4 stars). 2 submissions from 2 submitters: Uncertain significance (2). Last evaluated 2025-08-21.

Conditions:
Inborn genetic diseases. Identifiers: MedGen C0950123, MeSH D030342.
COG7 congenital disorder of glycosylation (CDG2E). Also called: CONGENITAL DISORDER OF GLYCOSYLATION, TYPE IIe; CDG IIe. Identifiers: Orphanet 79333, MedGen C2931010, MONDO:0012118, OMIM 608779.

Allele frequency attached by ClinVar (database versions not stated): ExAC 0.00003; TOPMed 0.00005; gnomAD 0.00007; ESP Exome Variant Server 0.00008; 1000 Genomes Project 30x 0.00016; 1000 Genomes Project 0.00020.
gnomAD v4.1: 14 of 1,613,998 alleles (0.00087%); highest among the groups gnomAD compares: African/African-American, 0.017%; no homozygotes.

Submissions (2):

Ambry Genetics
Classification: Uncertain significance for Inborn genetic diseases. Last evaluated: 2025-08-21. Review status: criteria provided, single submitter. Criteria: Ambry Variant Classification Scheme 2023. Collection method: clinical testing. Allele origin: germline.

Labcorp Genetics (formerly Invitae), Labcorp
Classification: Uncertain significance for COG7 congenital disorder of glycosylation. Last evaluated: 2022-05-07. Review status: criteria provided, single submitter. Criteria: Invitae Variant Classification Sherloc (09022015). Collection method: clinical testing. Allele origin: germline.
Comment: In summary, the available evidence is currently insufficient to determine the role of this variant in disease. Therefore, it has been classified as a Variant of Uncertain Significance. Algorithms developed to predict the effect of missense changes on protein structure and function output the following: SIFT: "Tolerated"; PolyPhen-2: "Benign"; Align-GVGD: "Class C0". The threonine amino acid residue is found in multiple mammalian species, which suggests that this missense change does not adversely affect protein function. This variant has not been reported in the literature in individuals affected with COG7-related conditions. This variant is present in population databases (rs140625370, gnomAD 0.02%). This sequence change replaces isoleucine, which is neutral and non-polar, with threonine, which is neutral and polar, at codon 549 of the COG7 protein (p.Ile549Thr).

NM_153603.4(COG7):c.1646T>C (p.Ile549Thr)

Gene: COG7 (component of oligomeric golgi complex 7; minus strand). Cytogenetic location: 16p12.2.
Variant type: single nucleotide variant.
Coding change: c.1646T>C on transcript NM_153603.4 (MANE Select); coding-DNA position 1646, T replaced by C.
Protein change: p.Ile549Thr; replaces isoleucine 549 with threonine.
Molecular consequence: missense variant.
Genome position (GRCh38, 1-based): chr16:23,406,092, A>G on the plus strand (T>C on the coding strand, the complement: COG7 is on the minus strand). VCF-style: chr16-23406092-A-G. GRCh37 (hg19) VCF-style: chr16-23417413-A-G.
Other names: c.1646T>C (NM_153603.3); short protein forms I549T.
Identifiers: ClinVar variation 2058239 (VCV002058239.5), dbSNP rs140625370, ClinGen allele CA7960924.